The following is an entry in ClinVar:

NM_000256.3(MYBPC3):c.2277G>A (p.Glu759=)

Gene: MYBPC3 (myosin binding protein C3; minus strand). Cytogenetic location: 11p11.2.
Variant type: single nucleotide variant.
Coding change: c.2277G>A on transcript NM_000256.3 (MANE Select); coding-DNA position 2277, G replaced by A.
Protein change: p.Glu759=; no amino-acid change (glutamic acid 759 retained).
Molecular consequence: synonymous variant.
Genome position (GRCh38, 1-based): chr11:47,338,551, C>T on the plus strand (G>A on the coding strand, the complement: MYBPC3 is on the minus strand). VCF-style: chr11-47338551-C-T. GRCh37 (hg19) VCF-style: chr11-47360102-C-T.
Identifiers: ClinVar variation 3071928 (VCV003071928.2), dbSNP rs765629179, ClinGen allele CA078612.

ClinVar aggregate classification (germline): Likely benign. Review status: criteria provided, multiple submitters, no conflicts (2 of 4 stars). 2 submissions from 2 submitters: Likely benign (2). Last evaluated 2023-12-16.

Conditions:
Cardiovascular phenotype. Identifiers: MedGen CN230736.
Hypertrophic cardiomyopathy. Also called: HYPERTROPHIC MYOCARDIOPATHY. Identifiers: Orphanet 217569, MedGen C0007194, MeSH D002312, MONDO:0005045, HP:0001639.

Allele frequency attached by ClinVar (database versions not stated): ExAC 0.00003.
gnomAD v4.1: 9 of 1,614,020 alleles (0.00056%); highest among the groups gnomAD compares: South Asian, 0.0088%; no homozygotes.

Submissions (2):

Ambry Genetics
Classification: Likely benign for Cardiovascular phenotype. Last evaluated: 2023-12-16. Review status: criteria provided, single submitter. Criteria: Ambry Variant Classification Scheme 2023. Collection method: clinical testing. Allele origin: germline.

All of Us Research Program, National Institutes of Health
Classification: Likely benign for Hypertrophic cardiomyopathy. Last evaluated: 2023-06-26. Review status: criteria provided, single submitter. Criteria: ACMG Guidelines, 2015. Collection method: clinical testing. Allele origin: germline. Inheritance: Autosomal dominant inheritance. Observed: 1 variant allele, 1 heterozygote.
Comment: This study involves interpretation of variants in research participants for the purpose of population health screening. Participant phenotype was not available at the time of variant classification. Additional details can be found in publication PMID: 35346344, PMCID: PMC8962531